The following is an entry in ClinVar:

ClinVar aggregate classification (germline): Likely pathogenic. Review status: no assertion criteria provided (0 of 4 stars). 2 submissions from 2 submitters: Likely pathogenic (1). 1 of the submissions does not count toward it. Last evaluated 2020-11-01.

Conditions:
von Willebrand disease type 3 (VWD3). Also called: Type 3 Von Willebrand's disease; Type 3 VWD; Von Willebrand disease, severe form; V WD3; VON WILLEBRAND DISEASE, TYPE III. Identifiers: Orphanet 166096, MedGen C1264041, MONDO:0010191, OMIM 277480.

Submissions (2):

Angelo Bianchi Bonomi Hemophilia and Thrombosis Center, Fondazione IRCCS Ca Granda Ospedale Maggiore Policlinico
Classification: Likely pathogenic for von Willebrand disease type 3. Last evaluated: 2020-11-01. Review status: no assertion criteria provided. Collection method: clinical testing. Allele origin: germline. Affected: yes. Study: Type 3 Von Willebrand International Registries Inhibitor Prospective Study (3WINTERS-IPS).
Comment: ClinGen Pathogenicity Calculator

Academic Unit of Haematology, University of Sheffield
No classification provided. Review status: no classification provided. Collection method: not provided. Allele origin: not provided. Not counted in ClinVar's aggregate classification.

NM_000552.5(VWF):c.7082-2A>G

Gene: VWF (von Willebrand factor; minus strand). Cytogenetic location: 12p13.31.
Variant type: single nucleotide variant.
Coding change: c.7082-2A>G on transcript NM_000552.5 (MANE Select); the canonical splice acceptor site of the intron before coding-DNA position 7082, A replaced by G.
Molecular consequence: splice acceptor variant.
Genome position (GRCh38, 1-based): chr12:5,981,993, T>C on the plus strand (A>G on the coding strand, the complement: VWF is on the minus strand). VCF-style: chr12-5981993-T-C. GRCh37 (hg19) VCF-style: chr12-6091159-T-C.
Identifiers: ClinVar variation 100457 (VCV000100457.4), dbSNP rs267607358, ClinGen allele CA228773.